The following is an entry in ClinVar:

ClinVar aggregate classification (germline): Uncertain significance (1 of 4 stars; one submission).

Conditions:
Autosomal dominant limb-girdle muscular dystrophy type 1F (LGMDD2). Also called: MUSCULAR DYSTROPHY, LIMB-GIRDLE, AUTOSOMAL DOMINANT 2; Limb-girdle muscular dystrophy, type 1F. Identifiers: Orphanet 55595, MedGen C1842062, MONDO:0012034, OMIM 608423.

Submission:

Labcorp Genetics (formerly Invitae), Labcorp
Classification: Uncertain significance for Autosomal dominant limb-girdle muscular dystrophy type 1F. Last evaluated: 2024-10-25. Review status: criteria provided, single submitter. Criteria: Invitae Variant Classification Sherloc (09022015). Collection method: clinical testing. Allele origin: germline.
Comment: This sequence change replaces arginine, which is basic and polar, with cysteine, which is neutral and slightly polar, at codon 157 of the TNPO3 protein (p.Arg157Cys). This variant is present in population databases (rs768657564, gnomAD 0.003%). This variant has not been reported in the literature in individuals affected with TNPO3-related conditions. Invitae Evidence Modeling of protein sequence and biophysical properties (such as structural, functional, and spatial information, amino acid conservation, physicochemical variation, residue mobility, and thermodynamic stability) has been performed for this missense variant. However, the output from this modeling did not meet the statistical confidence thresholds required to predict the impact of this variant on TNPO3 protein function. In summary, the available evidence is currently insufficient to determine the role of this variant in disease. Therefore, it has been classified as a Variant of Uncertain Significance.

NM_012470.4(TNPO3):c.469C>T (p.Arg157Cys)

Gene: TNPO3 (transportin 3; minus strand). Cytogenetic location: 7q32.1.
Variant type: single nucleotide variant.
Coding change: c.469C>T on transcript NM_012470.4 (MANE Select); coding-DNA position 469, C replaced by T.
Protein change: p.Arg157Cys; replaces arginine 157 with cysteine.
Molecular consequence: missense variant. On other transcripts: non-coding transcript variant (18).
Genome position (GRCh38, 1-based): chr7:129,015,062, G>A on the plus strand (C>T on the coding strand, the complement: TNPO3 is on the minus strand). VCF-style: chr7-129015062-G-A. GRCh37 (hg19) VCF-style: chr7-128655116-G-A.
Other names: c.469C>T, p.Arg157Cys (NM_001191028.3, NM_001382216.1, NM_001382218.1 and 5 more transcripts); c.550C>T, p.Arg184Cys (NM_001382217.1); short protein forms R157C, R184C.
Identifiers: ClinVar variation 3699004 (VCV003699004.2).